The following is an entry in ClinVar:

NM_000548.5(TSC2):c.1870G>A (p.Asp624Asn)

Gene: TSC2 (TSC complex subunit 2; plus strand). Cytogenetic location: 16p13.3.
Variant type: single nucleotide variant.
Coding change: c.1870G>A on transcript NM_000548.5 (MANE Select); coding-DNA position 1870, G replaced by A.
Protein change: p.Asp624Asn; replaces aspartic acid 624 with asparagine.
Molecular consequence: missense variant.
Genome position (GRCh38, 1-based): chr16:2,071,540, G>A. VCF-style: chr16-2071540-G-A. GRCh37 (hg19) VCF-style: chr16-2121541-G-A.
Other names: c.1870G>A, p.Asp624Asn (NM_001077183.3, NM_001114382.3, NM_001363528.2 and 3 more transcripts); c.1759G>A, p.Asp587Asn (NM_001318827.2); c.1723G>A, p.Asp575Asn (NM_001318829.2); c.1270G>A, p.Asp424Asn (NM_001318831.2); c.1903G>A, p.Asp635Asn (NM_001318832.2); short protein forms D624N, D587N, D424N, D575N, D635N.
Identifiers: ClinVar variation 577843 (VCV000577843.16), dbSNP rs1334081822, ClinGen allele CA394273084.
Genomic context (GRCh38, chr16:2,071,540, plus strand): 5'-CTCTGGCTTTCACCATCCTCTTCCTGACAGGCCTTTGACTTCCTGTTGCTGCTGCGGGCC[G>A]ACTCACTGCACCGCCTGGGCCTGCCCAACAAGGATGGAGTCGTGCGGTTCAGCCCCTACT-3'
Protein context (NP_000539.2, residues 614-634): AFDFLLLLRA[Asp624Asn]SLHRLGLPNK

ClinVar aggregate classification (germline): Conflicting classifications of pathogenicity. Review status: criteria provided, conflicting classifications (1 of 4 stars). 5 submissions from 5 submitters: Uncertain significance (4); Benign (1). Last evaluated 2026-01-11.

Conditions:
Hereditary cancer-predisposing syndrome. Also called: Hereditary neoplastic syndrome; Tumor predisposition; Hereditary Cancer Syndrome; Neoplastic Syndromes, Hereditary. Identifiers: Orphanet 140162, MedGen C0027672, MeSH D009386, MONDO:0015356.
Isolated focal cortical dysplasia type II (FCORD2). Also called: Focal cortical dysplasia type II; CORTICAL DYSPLASIA OF TAYLOR. Identifiers: Orphanet 268994, MedGen C1846385, MONDO:0011818, OMIM 607341, HP:0032051.
Lymphangiomyomatosis (LAM). Also called: Lymphangioleiomyomatosis; Lymphangioleiomyomatosis, somatic. Identifiers: Orphanet 538, MedGen C0751674, MONDO:0011705, OMIM 606690.
Tuberous sclerosis 2 (TSC2). Identifiers: Orphanet 805, MedGen C1860707, MONDO:0013199, OMIM 613254.

Allele frequency attached by ClinVar (database versions not stated): TOPMed below 0.00001; gnomAD exomes 0.00001.
gnomAD v4.1: 12 of 1,613,548 alleles (0.00074%); highest among the groups gnomAD compares: East Asian, 0.0022%; no homozygotes.

Submissions (5):

Labcorp Genetics (formerly Invitae), Labcorp
Classification: Benign for Tuberous sclerosis 2. Last evaluated: 2026-01-11. Review status: criteria provided, single submitter. Criteria: Invitae Variant Classification Sherloc (09022015). Collection method: clinical testing. Allele origin: germline.

Ambry Genetics
Classification: Uncertain significance for Hereditary cancer-predisposing syndrome. Last evaluated: 2024-11-25. Review status: criteria provided, single submitter. Criteria: Ambry Variant Classification Scheme 2023. Collection method: clinical testing. Allele origin: germline.
Comment: The p.D624N variant (also known as c.1870G>A), located in coding exon 17 of the TSC2 gene, results from a G to A substitution at nucleotide position 1870. The aspartic acid at codon 624 is replaced by asparagine, an amino acid with highly similar properties. This amino acid position is highly conserved in available vertebrate species. In addition, the in silico prediction for this alteration is inconclusive. Based on the available evidence, the clinical significance of this variant remains unclear.

GeneDx
Classification: Uncertain significance. Last evaluated: 2023-12-05. Review status: criteria provided, single submitter. Criteria: GeneDx Variant Classification Process June 2021. Collection method: clinical testing. Allele origin: germline. Affected: yes.
Comment: In silico analysis supports that this missense variant does not alter protein structure/function; Has not been previously published as pathogenic or benign to our knowledge

Genome-Nilou Lab
Classification: Uncertain significance for Tuberous sclerosis 2. Last evaluated: 2021-11-07. Review status: criteria provided, single submitter. Criteria: ACMG Guidelines, 2015. Collection method: clinical testing. Allele origin: germline. Affected: no.

Fulgent Genetics
Classification: Uncertain significance for Lymphangiomyomatosis; Isolated focal cortical dysplasia type II; Tuberous sclerosis 2. Last evaluated: 2018-10-31. Review status: criteria provided, single submitter. Criteria: ACMG Guidelines, 2015. Collection method: clinical testing. Allele origin: unknown.